The following is an entry in ClinVar:

NM_000057.4(BLM):c.1064C>A (p.Pro355Gln)

Gene: BLM (BLM RecQ like helicase; plus strand). Cytogenetic location: 15q26.1.
Variant type: single nucleotide variant.
Coding change: c.1064C>A on transcript NM_000057.4 (MANE Select); coding-DNA position 1064, C replaced by A.
Protein change: p.Pro355Gln; replaces proline 355 with glutamine.
Molecular consequence: missense variant. On other transcripts: 5 prime UTR variant (1).
Genome position (GRCh38, 1-based): chr15:90,754,915, C>A. VCF-style: chr15-90754915-C-A. GRCh37 (hg19) VCF-style: chr15-91298145-C-A.
Other names: c.1064C>A, p.Pro355Gln (NM_001287246.2, NM_001287247.2); c.-228C>A (NM_001287248.2); short protein forms P355Q.
Identifiers: ClinVar variation 2193505 (VCV002193505.5), dbSNP rs1022898915, ClinGen allele CA393842214.

ClinVar aggregate classification (germline): Conflicting classifications of pathogenicity. Review status: criteria provided, conflicting classifications (1 of 4 stars). 2 submissions from 2 submitters: Uncertain significance (1); Likely benign (1). Last evaluated 2024-03-01.

Conditions:
Bloom syndrome (BLM). Also called: Bloom-Torre-Machacek syndrome. Identifiers: Orphanet 125, MedGen C0005859, MONDO:0008876, OMIM 210900.
Hereditary cancer-predisposing syndrome. Also called: Hereditary neoplastic syndrome; Neoplastic Syndromes, Hereditary; Hereditary Cancer Syndrome; Tumor predisposition. Identifiers: Orphanet 140162, MedGen C0027672, MeSH D009386, MONDO:0015356.

Submissions (2):

Ambry Genetics
Classification: Likely benign for Hereditary cancer-predisposing syndrome. Last evaluated: 2024-03-01. Review status: criteria provided, single submitter. Criteria: Ambry Variant Classification Scheme 2023. Collection method: clinical testing. Allele origin: germline.

Labcorp Genetics (formerly Invitae), Labcorp
Classification: Uncertain significance for Bloom syndrome. Last evaluated: 2023-04-24. Review status: criteria provided, single submitter. Criteria: Invitae Variant Classification Sherloc (09022015). Collection method: clinical testing. Allele origin: germline.
Comment: In summary, the available evidence is currently insufficient to determine the role of this variant in disease. Therefore, it has been classified as a Variant of Uncertain Significance. Algorithms developed to predict the effect of missense changes on protein structure and function output the following: SIFT: "Not Available"; PolyPhen-2: "Benign"; Align-GVGD: "Not Available". The glutamine amino acid residue is found in multiple mammalian species, which suggests that this missense change does not adversely affect protein function. ClinVar contains an entry for this variant (Variation ID: 2193505). This variant has not been reported in the literature in individuals affected with BLM-related conditions. This variant is not present in population databases (gnomAD no frequency). This sequence change replaces proline, which is neutral and non-polar, with glutamine, which is neutral and polar, at codon 355 of the BLM protein (p.Pro355Gln).